The following is an entry in ClinVar:

NM_000393.5(COL5A2):c.4004C>T (p.Thr1335Ile)

Gene: COL5A2 (collagen type V alpha 2 chain; minus strand). Cytogenetic location: 2q32.2.
Variant type: single nucleotide variant.
Coding change: c.4004C>T on transcript NM_000393.5 (MANE Select); coding-DNA position 4004, C replaced by T.
Protein change: p.Thr1335Ile; replaces threonine 1335 with isoleucine.
Molecular consequence: missense variant.
Genome position (GRCh38, 1-based): chr2:189,036,725, G>A on the plus strand (C>T on the coding strand, the complement: COL5A2 is on the minus strand). VCF-style: chr2-189036725-G-A. GRCh37 (hg19) VCF-style: chr2-189901451-G-A.
Other names: short protein forms T1335I.
Identifiers: ClinVar variation 3712177 (VCV003712177.2).

ClinVar aggregate classification (germline): Uncertain significance (1 of 4 stars; one submission).

Conditions:
Ehlers-Danlos syndrome, classic type, 1 (EDSCL1). Also called: EHLERS-DANLOS SYNDROME, GRAVIS TYPE; EHLERS-DANLOS SYNDROME, SEVERE CLASSIC TYPE; Ehlers-Danlos syndrome, type 1; Ehlers-Danlos Syndrome, Classic Type, COL5A1-Related; EDS I. Identifiers: MedGen C0268335, MONDO:0019567, OMIM 130000.

Submission:

Labcorp Genetics (formerly Invitae), Labcorp
Classification: Uncertain significance for Ehlers-Danlos syndrome, classic type, 1. Last evaluated: 2024-12-15. Review status: criteria provided, single submitter. Criteria: Invitae Variant Classification Sherloc (09022015). Collection method: clinical testing. Allele origin: germline.
Comment: This sequence change replaces threonine, which is neutral and polar, with isoleucine, which is neutral and non-polar, at codon 1335 of the COL5A2 protein (p.Thr1335Ile). This variant is not present in population databases (gnomAD no frequency). This variant has not been reported in the literature in individuals affected with COL5A2-related conditions. Invitae Evidence Modeling of protein sequence and biophysical properties (such as structural, functional, and spatial information, amino acid conservation, physicochemical variation, residue mobility, and thermodynamic stability) indicates that this missense variant is expected to disrupt COL5A2 protein function with a positive predictive value of 80%. In summary, the available evidence is currently insufficient to determine the role of this variant in disease. Therefore, it has been classified as a Variant of Uncertain Significance.